The following is an entry in ClinVar:

NM_001200016.2(NAA80):c.414G>A (p.Val138=)

Genes: HYAL3 (hyaluronidase 3; minus strand), NAA80 (N-alpha-acetyltransferase 80, NatH catalytic subunit; minus strand). Cytogenetic location: 3p21.31.
Variant type: single nucleotide variant.
Coding change: c.414G>A on transcript NM_001200016.2 (MANE Select); coding-DNA position 414, G replaced by A.
Protein change: p.Val138=; no amino-acid change (valine 138 retained).
Molecular consequence: synonymous variant. On other transcripts: intron variant (5).
Genome position (GRCh38, 1-based): chr3:50,297,050, C>T on the plus strand (G>A on the coding strand, the complement: NAA80 is on the minus strand). VCF-style: chr3-50297050-C-T. GRCh37 (hg19) VCF-style: chr3-50334481-C-T.
Other names: c.414G>A, p.Val138= (NM_001200018.2); c.480G>A, p.Val160= (NM_012191.4); c.2+2163G>A (NM_001200032.2, NM_001200031.2); c.-17-1431G>A (NM_001200030.2, NM_003549.4, NM_001200029.2).
Identifiers: ClinVar variation 4280759 (VCV004280759.7).
Genomic context (GRCh38, chr3:50,297,050, plus strand): 5'-CTCCATGAGGCGGCGGCCAAAGCCACGGCCCCTCAGGGCCCGGGCCACCACCACTGTCTC[C>T]ACTAAGAGGCTCTGGGGCTGGTTCAGCACCCGTGACAGGCGGGCATGGCCCACCACAACG-3'
Protein context (NP_001186945.1, residues 128-148): RVLNQPQSLL[Val138=]ETVVVARALR

ClinVar aggregate classification (germline): Benign (1 of 4 stars; one submission).

gnomAD v4.1: 19,263 of 1,535,848 alleles (1.3%); highest among the groups gnomAD compares: Non-Finnish European, 1.4%; 151 homozygotes.

Submission:

CeGaT Center for Human Genetics Tuebingen
Classification: Benign. Last evaluated: 2026-09-01. Review status: criteria provided, single submitter. Criteria: CeGaT Center For Human Genetics Tuebingen Variant Classification Criteria Version 2. Collection method: clinical testing. Allele origin: germline. Affected: yes. Observed: 2 variant alleles.
Comment: NAA80: BP4, BP7, BS1, BS2